The following is an entry in ClinVar:

NM_005476.7(GNE):c.165-9C>T

Gene: GNE (glucosamine (UDP-N-acetyl)-2-epimerase/N-acetylmannosamine kinase; minus strand). Cytogenetic location: 9p13.3.
Variant type: single nucleotide variant.
Coding change: c.165-9C>T on transcript NM_005476.7 (MANE Select); 9 bases into the intron before coding-DNA position 165, C replaced by T.
Molecular consequence: intron variant.
Genome position (GRCh38, 1-based): chr9:36,246,491, G>A on the plus strand (C>T on the coding strand, the complement: GNE is on the minus strand). VCF-style: chr9-36246491-G-A. GRCh37 (hg19) VCF-style: chr9-36246488-G-A.
Other names: c.-13-9C>T (NM_001190388.2, NM_001190384.3, NM_001374798.1); c.258-9C>T (NM_001128227.3); c.165-9C>T (NM_001374797.1, NM_001190383.3).
Identifiers: ClinVar variation 282855 (VCV000282855.23), dbSNP rs760509369, ClinGen allele CA5056754.

ClinVar aggregate classification (germline): Conflicting classifications of pathogenicity. Review status: criteria provided, conflicting classifications (1 of 4 stars). 6 submissions from 5 submitters: Uncertain significance (2); Benign (1); Likely benign (2). 1 of the submissions does not count toward it. Last evaluated 2025-12-27.

Conditions:
GNE-related disorder. Also called: GNE-related condition.
GNE myopathy (NM). Also called: INCLUSION BODY MYOPATHY, HEREDITARY, AUTOSOMAL RECESSIVE; INCLUSION BODY MYOPATHY 2, AUTOSOMAL RECESSIVE; MYOPATHY, DISTAL, WITH OR WITHOUT RIMMED VACUOLES; IBM 2; Inclusion body myopathy autosomal recessive; Inclusion body myopathy quadriceps sparing. Identifiers: Orphanet 602, MedGen C1853926, MONDO:0011603, OMIM 605820.
Sialuria. Also called: Sialic Acid Storage Disease; SIALURIA, FRENCH TYPE. Identifiers: Orphanet 3166, MedGen C0342853, MONDO:0010028, OMIM 269921.

Allele frequency attached by ClinVar (database versions not stated): gnomAD exomes 0.00003 and 0.00007; ExAC 0.00007; gnomAD 0.00008; TOPMed 0.00010.
gnomAD v4.1: 60 of 1,597,722 alleles (0.0038%); highest among the groups gnomAD compares: South Asian, 0.0088%; no homozygotes.

Submissions (6):

Labcorp Genetics (formerly Invitae), Labcorp
Classification: Likely benign for Sialuria; GNE myopathy. Last evaluated: 2025-12-27. Review status: criteria provided, single submitter. Criteria: Invitae Variant Classification Sherloc (09022015). Collection method: clinical testing. Allele origin: germline.

GeneDx
Classification: Likely benign. Last evaluated: 2020-11-04. Review status: criteria provided, single submitter. Criteria: GeneDx Variant Classification Process June 2021. Collection method: clinical testing. Allele origin: germline. Affected: yes.

Illumina Laboratory Services, Illumina
Classification: Benign for Sialuria. Last evaluated: 2018-01-13. Review status: criteria provided, single submitter. Criteria: ICSL Variant Classification Criteria 13 December 2019. Collection method: clinical testing. Allele origin: germline.
Comment: This variant was observed in the ICSL laboratory as part of a predisposition screen in an ostensibly healthy population. It had not been previously curated by ICSL or reported in the Human Gene Mutation Database (HGMD: prior to June 1st, 2018), and was therefore a candidate for classification through an automated scoring system. Utilizing variant allele frequency, disease prevalence and penetrance estimates, and inheritance mode, an automated score was calculated to assess if this variant is too frequent to cause the disease. Based on the score and internal cut-off values, a variant classified as benign is not then subjected to further curation. The score for this variant resulted in a classification of benign for this disease.

Illumina Laboratory Services, Illumina
Classification: Uncertain significance for GNE myopathy. Last evaluated: 2018-01-13. Review status: criteria provided, single submitter. Criteria: ICSL Variant Classification Criteria 13 December 2019. Collection method: clinical testing. Allele origin: germline.

Eurofins Ntd Llc (ga)
Classification: Uncertain significance. Last evaluated: 2016-10-03. Review status: criteria provided, single submitter. Criteria: EGL Classification Definitions 2015. Collection method: clinical testing. Allele origin: germline. Observed: 3 variant alleles, 3 heterozygotes.

PreventionGenetics, part of Exact Sciences
Classification: Likely benign for GNE-related condition. Last evaluated: 2019-06-07. Review status: no assertion criteria provided. Collection method: clinical testing. Allele origin: germline. Not counted in ClinVar's aggregate classification.
Comment: This variant is classified as likely benign based on ACMG/AMP sequence variant interpretation guidelines (Richards et al. 2015 PMID: 25741868, with internal and published modifications).